The following is an entry in ClinVar:

ClinVar aggregate classification (germline): Uncertain significance. Review status: criteria provided, multiple submitters, no conflicts (2 of 4 stars). 2 submissions from 2 submitters: Uncertain significance (2). Last evaluated 2025-10-08.

Conditions:
Fibrous dysplasia of jaw (CRBM). Also called: Cherubism. Identifiers: Orphanet 184, MedGen C0008029, MONDO:0007315, OMIM 118400.
Inborn genetic diseases. Identifiers: MedGen C0950123, MeSH D030342.

Allele frequency attached by ClinVar (database versions not stated): gnomAD 0.00001; gnomAD exomes 0.00001 and 0.00002; TOPMed 0.00001; ESP Exome Variant Server 0.00008.
gnomAD v4.1: 35 of 1,613,440 alleles (0.0022%); highest among the groups gnomAD compares: Non-Finnish European, 0.003%; no homozygotes.

Submissions (2):

Labcorp Genetics (formerly Invitae), Labcorp
Classification: Uncertain significance for Fibrous dysplasia of jaw. Last evaluated: 2025-10-08. Review status: criteria provided, single submitter. Criteria: Invitae Variant Classification Sherloc (09022015). Collection method: clinical testing. Allele origin: germline.
Comment: This sequence change replaces leucine, which is neutral and non-polar, with valine, which is neutral and non-polar, at codon 43 of the SH3BP2 protein (p.Leu43Val). This variant is present in population databases (rs368574144, gnomAD 0.003%). This variant has not been reported in the literature in individuals affected with SH3BP2-related conditions. ClinVar contains an entry for this variant (Variation ID: 581946). Invitae Evidence Modeling of protein sequence and biophysical properties (such as structural, functional, and spatial information, amino acid conservation, physicochemical variation, residue mobility, and thermodynamic stability) indicates that this missense variant is not expected to disrupt SH3BP2 protein function with a negative predictive value of 80%. In summary, the available evidence is currently insufficient to determine the role of this variant in disease. Therefore, it has been classified as a Variant of Uncertain Significance.

Ambry Genetics
Classification: Uncertain significance for Inborn genetic diseases. Last evaluated: 2024-07-02. Review status: criteria provided, single submitter. Criteria: Ambry Variant Classification Scheme 2023. Collection method: clinical testing. Allele origin: germline.

NM_001122681.2(SH3BP2):c.127C>G (p.Leu43Val)

Gene: SH3BP2 (SH3 domain binding protein 2; plus strand). Cytogenetic location: 4p16.3.
Variant type: single nucleotide variant.
Coding change: c.127C>G on transcript NM_001122681.2 (MANE Select); coding-DNA position 127, C replaced by G.
Protein change: p.Leu43Val; replaces leucine 43 with valine.
Molecular consequence: missense variant.
Genome position (GRCh38, 1-based): chr4:2,820,744, C>G. VCF-style: chr4-2820744-C-G. GRCh37 (hg19) VCF-style: chr4-2822471-C-G.
Other names: c.211C>G, p.Leu71Val (NM_001145855.2, LRG_1334t2); c.298C>G, p.Leu100Val (NM_001145856.2); c.127C>G, p.Leu43Val (NM_003023.4, LRG_1334t1); short protein forms L43V, L71V, L100V.
Identifiers: ClinVar variation 581946 (VCV000581946.10), dbSNP rs368574144, ClinGen allele CA91403459.